The following is an entry in ClinVar:

NM_015295.3(SMCHD1):c.2906A>G (p.His969Arg)

Gene: SMCHD1 (structural maintenance of chromosomes flexible hinge domain containing 1; plus strand). Cytogenetic location: 18p11.32.
Variant type: single nucleotide variant.
Coding change: c.2906A>G on transcript NM_015295.3 (MANE Select); coding-DNA position 2906, A replaced by G.
Protein change: p.His969Arg; replaces histidine 969 with arginine.
Molecular consequence: missense variant.
Genome position (GRCh38, 1-based): chr18:2,728,589, A>G. VCF-style: chr18-2728589-A-G. GRCh37 (hg19) VCF-style: chr18-2728587-A-G.
Other names: short protein forms H969R.
Identifiers: ClinVar variation 3672441 (VCV003672441.2).

ClinVar aggregate classification (germline): Uncertain significance (1 of 4 stars; one submission).

Conditions:
Facioscapulohumeral muscular dystrophy 2 (FSHD2). Also called: MUSCULAR DYSTROPHY, FACIOSCAPULOHUMERAL, TYPE 1B; FACIOSCAPULOHUMERAL MUSCULAR DYSTROPHY 2, DIGENIC; FSHD2, DIGENIC. Identifiers: Orphanet 269, MedGen C1834671, MONDO:0008031, OMIM 158901.

gnomAD v4.1: 27 of 1,611,590 alleles (0.0017%); highest among the groups gnomAD compares: Non-Finnish European, 0.00059%; no homozygotes.

Submission:

Labcorp Genetics (formerly Invitae), Labcorp
Classification: Uncertain significance for Facioscapulohumeral muscular dystrophy 2. Last evaluated: 2024-09-15. Review status: criteria provided, single submitter. Criteria: Invitae Variant Classification Sherloc (09022015). Collection method: clinical testing. Allele origin: germline.
Comment: This sequence change replaces histidine, which is basic and polar, with arginine, which is basic and polar, at codon 969 of the SMCHD1 protein (p.His969Arg). This variant is present in population databases (rs375900120, gnomAD 0.02%). This variant has not been reported in the literature in individuals affected with SMCHD1-related conditions. Invitae Evidence Modeling of protein sequence and biophysical properties (such as structural, functional, and spatial information, amino acid conservation, physicochemical variation, residue mobility, and thermodynamic stability) indicates that this missense variant is not expected to disrupt SMCHD1 protein function with a negative predictive value of 80%. In summary, the available evidence is currently insufficient to determine the role of this variant in disease. Therefore, it has been classified as a Variant of Uncertain Significance.